The following is an entry in ClinVar:

ClinVar aggregate classification (germline): Pathogenic. Review status: criteria provided, multiple submitters, no conflicts (2 of 4 stars). 3 submissions from 3 submitters: Pathogenic (3). Last evaluated 2024-09-05.

Conditions:
Hereditary cancer-predisposing syndrome. Also called: Neoplastic Syndromes, Hereditary; Tumor predisposition; Hereditary Cancer Syndrome; Hereditary neoplastic syndrome. Identifiers: Orphanet 140162, MedGen C0027672, MeSH D009386, MONDO:0015356.
Familial adenomatous polyposis 1 (FAP1). Also called: FAMILIAL ADENOMATOUS POLYPOSIS 1, ATTENUATED; POLYPOSIS, ADENOMATOUS INTESTINAL. Identifiers: MedGen C2713442, MONDO:0021056, OMIM 175100. Disease mechanism: loss of function.

Submissions (3):

Ambry Genetics
Classification: Pathogenic for Hereditary cancer-predisposing syndrome. Last evaluated: 2024-09-05. Review status: criteria provided, single submitter. Criteria: Ambry Variant Classification Scheme 2023. Collection method: clinical testing. Allele origin: germline.
Comment: The c.6778delA pathogenic mutation, located in coding exon 15 of the APC gene, results from a deletion of one nucleotide at nucleotide position 6778, causing a translational frameshift with a predicted alternate stop codon (p.S2260Afs*19). This alteration occurs at the 3' terminus of theAPC gene, is not expected to trigger nonsense-mediated mRNA decay, and only impacts the last 20% of the protein. However, premature stop codons are typically deleterious in nature and a significant portion of the protein is affected (Ambry internal data). This variant is considered to be rare based on population cohorts in the Genome Aggregation Database (gnomAD). Based on the supporting evidence, this variant is interpreted as a disease-causing mutation.

Labcorp Genetics (formerly Invitae), Labcorp
Classification: Pathogenic for Familial adenomatous polyposis 1. Last evaluated: 2023-08-31. Review status: criteria provided, single submitter. Criteria: Invitae Variant Classification Sherloc (09022015). Collection method: clinical testing. Allele origin: germline.
Comment: This variant has not been reported in the literature in individuals affected with APC-related conditions. This variant is not present in population databases (gnomAD no frequency). This sequence change creates a premature translational stop signal (p.Ser2260Alafs*19) in the APC gene. While this is not anticipated to result in nonsense mediated decay, it is expected to disrupt the last 584 amino acid(s) of the APC protein. ClinVar contains an entry for this variant (Variation ID: 1755371). For these reasons, this variant has been classified as Pathogenic. This variant is expected to disrupt the EB1 and HDLG binding sites, which mediate interactions with the cytoskeleton (PMID: 15311282, 17293347). While functional studies have not been performed to directly test the effect on APC protein function, this suggests that disruption of the C-terminal portion of the protein is functionally important. A different truncation (p.Tyr2645Lysfs*14) that lies downstream of this variant has been determined to be pathogenic (PMID: 9824584, 1316610, 27081525, 8381579, 22135120, Invitae). This suggests that deletion of this region of the APC protein is causative of disease.

Myriad Genetics, Inc.
Classification: Pathogenic for Familial adenomatous polyposis 1. Last evaluated: 2023-05-16. Review status: criteria provided, single submitter. Criteria: Myriad Autosomal Dominant, Autosomal Recessive and X-Linked Classification Criteria (2023). Collection method: clinical testing. Allele origin: unknown.
Comment: This variant is considered pathogenic. This variant creates a frameshift predicted to result in premature protein truncation.

Literature cited by the submitters: PubMed 15311282 (cited by Labcorp Genetics (formerly Invitae), Labcorp); PubMed 17293347 (cited by Labcorp Genetics (formerly Invitae), Labcorp); PubMed 9824584 (cited by Labcorp Genetics (formerly Invitae), Labcorp); PubMed 1316610 (cited by Labcorp Genetics (formerly Invitae), Labcorp); PubMed 27081525 (cited by Labcorp Genetics (formerly Invitae), Labcorp); PubMed 8381579 (cited by Labcorp Genetics (formerly Invitae), Labcorp); PubMed 22135120 (cited by Labcorp Genetics (formerly Invitae), Labcorp).

NM_000038.6(APC):c.6778del (p.Ser2260fs)

Gene: APC (APC regulator of Wnt signaling pathway; plus strand). Cytogenetic location: 5q22.2.
Variant type: Deletion.
Coding change: c.6778del on transcript NM_000038.6 (MANE Select); coding-DNA position 6778, one base deleted (A; older notation c.6778delA).
Protein change: p.Ser2260fs; shifts the reading frame from serine 2260.
Molecular consequence: frameshift variant.
Genome position (GRCh38, 1-based): chr5:112,842,372, A deleted; the last of 4 consecutive A bases (chr5:112,842,369-112,842,372); deleting any one gives the same sequence. VCF-style (leftmost placement, unchanged base first): chr5-112842368-CA-C. GRCh37 (hg19) VCF-style: chr5-112178065-CA-C.
Other names: c.6778del, p.Ser2260fs (NM_001127510.3, NM_001354895.2); c.6724del, p.Ser2242fs (NM_001127511.3); c.6832del, p.Ser2278fs (NM_001354896.2); c.6808del, p.Ser2270fs (NM_001354897.2); c.6703del, p.Ser2235fs (NM_001354898.2); c.6694del, p.Ser2232fs (NM_001354899.2); c.6655del, p.Ser2219fs (NM_001354900.2); c.6601del, p.Ser2201fs (NM_001354901.2); and 16 more; short protein forms S2134fs, S2201fs, S2219fs, S1977fs, S2232fs, S2242fs, S2270fs, S2278fs.
Identifiers: ClinVar variation 1755371 (VCV001755371.10), dbSNP rs2533742430, ClinGen allele CA2580072359.